The following is an entry in ClinVar:

NM_018249.6(CDK5RAP2):c.2288A>G (p.His763Arg)

Gene: CDK5RAP2 (CDK5 regulatory subunit associated protein 2; minus strand). Cytogenetic location: 9q33.2.
Variant type: single nucleotide variant.
Coding change: c.2288A>G on transcript NM_018249.6 (MANE Select); coding-DNA position 2288, A replaced by G.
Protein change: p.His763Arg; replaces histidine 763 with arginine.
Molecular consequence: missense variant. On other transcripts: non-coding transcript variant (5), intron variant (1).
Genome position (GRCh38, 1-based): chr9:120,458,537, T>C on the plus strand (A>G on the coding strand, the complement: CDK5RAP2 is on the minus strand). VCF-style: chr9-120458537-T-C. GRCh37 (hg19) VCF-style: chr9-123220815-T-C.
Other names: c.2288A>G, p.His763Arg (NM_001011649.3); c.2103+9323A>G (NM_001272039.2); short protein forms H763R.
Identifiers: ClinVar variation 1032030 (VCV001032030.1), dbSNP rs2036910484, ClinGen allele CA374703754.

ClinVar aggregate classification (germline): Uncertain significance (1 of 4 stars; one submission).

Conditions:
Microcephaly 3, primary, autosomal recessive. Identifiers: Orphanet 2512, MedGen C1858108, MONDO:0011488, OMIM 604804.

Allele frequency attached by ClinVar (database versions not stated): gnomAD exomes below 0.00001.
gnomAD v4.1: 1 of 1,614,112 alleles (0.000062%); highest among the groups gnomAD compares: African/African-American, 0.0013%; no homozygotes.

Submission:

Baylor Genetics
Classification: Uncertain significance for Microcephaly 3, primary, autosomal recessive. Last evaluated: 2018-11-19. Review status: criteria provided, single submitter. Criteria: ACMG Guidelines, 2015. Collection method: clinical testing. Allele origin: unknown. Affected: yes.
Comment: This variant was determined to be of uncertain significance according to ACMG Guidelines, 2015 [PMID:25741868].